The following is an entry in ClinVar:

NM_001243133.2(NLRP3):c.2667G>T (p.Leu889Phe)

Gene: NLRP3 (NLR family pyrin domain containing 3; plus strand). Cytogenetic location: 1q44.
Variant type: single nucleotide variant.
Coding change: c.2667G>T on transcript NM_001243133.2 (MANE Select); coding-DNA position 2667, G replaced by T.
Protein change: p.Leu889Phe; replaces leucine 889 with phenylalanine.
Molecular consequence: missense variant.
Genome position (GRCh38, 1-based): chr1:247,443,975, G>T. VCF-style: chr1-247443975-G-T. GRCh37 (hg19) VCF-style: chr1-247607277-G-T.
Other names: c.2667G>T, p.Leu889Phe (NM_001079821.3); c.2496G>T, p.Leu832Phe (NM_001127461.3, NM_001127462.3); c.2673G>T, p.Leu891Phe (NM_004895.5); c.2325G>T, p.Leu775Phe (NM_183395.3); short protein forms L891F, L775F, L832F, L889F.
Identifiers: ClinVar variation 2784602 (VCV002784602.4), dbSNP rs1664417826, ClinGen allele CA345564721.
Genomic context (GRCh38, chr1:247,443,975, plus strand): 5'-TGCACAATGTTGGGGAACAGCTGGGTACTGAGGACTCTTCTCCCTGTCCTTCTACAGGTT[G>T]GTGAATTCTGGCCTTACGTCAGTCTGTTGTTCAGCTTTGTCCTCGGTACTCAGCACTAAT-3'
Protein context (NP_001230062.1, residues 879-899): NPQCNLQKLG[Leu889Phe]VNSGLTSVCC

ClinVar aggregate classification (germline): Uncertain significance. Review status: criteria provided, multiple submitters, no conflicts (2 of 4 stars). 2 submissions from 2 submitters: Uncertain significance (2). Last evaluated 2024-11-15.

Conditions:
Cryopyrin associated periodic syndrome (CAPS). Identifiers: Orphanet 208650, MedGen C2316212, MONDO:0016168.

Submissions (2):

GeneDx
Classification: Uncertain significance. Last evaluated: 2024-11-15. Review status: criteria provided, single submitter. Criteria: GeneDx Variant Classification Process June 2021. Collection method: clinical testing. Allele origin: germline. Affected: yes.
Comment: Not observed at significant frequency in large population cohorts (gnomAD); In silico analysis supports that this missense variant has a deleterious effect on protein structure/function; Has not been previously published as pathogenic or benign to our knowledge; Also known as L889F

Labcorp Genetics (formerly Invitae), Labcorp
Classification: Uncertain significance for Cryopyrin associated periodic syndrome. Last evaluated: 2024-05-17. Review status: criteria provided, single submitter. Criteria: Invitae Variant Classification Sherloc (09022015). Collection method: clinical testing. Allele origin: germline.
Comment: This sequence change replaces leucine, which is neutral and non-polar, with phenylalanine, which is neutral and non-polar, at codon 891 of the NLRP3 protein (p.Leu891Phe). This variant is not present in population databases (gnomAD no frequency). This variant has not been reported in the literature in individuals affected with NLRP3-related conditions. Advanced modeling of protein sequence and biophysical properties (such as structural, functional, and spatial information, amino acid conservation, physicochemical variation, residue mobility, and thermodynamic stability) has been performed at Invitae for this missense variant, however the output from this modeling did not meet the statistical confidence thresholds required to predict the impact of this variant on NLRP3 protein function. In summary, the available evidence is currently insufficient to determine the role of this variant in disease. Therefore, it has been classified as a Variant of Uncertain Significance.